The following is an entry in ClinVar:

ClinVar aggregate classification (germline): Uncertain significance (1 of 4 stars; one submission).

Submission:

GeneDx
Classification: Uncertain significance. Last evaluated: 2025-02-18. Review status: criteria provided, single submitter. Criteria: GeneDx Variant Classification Process June 2021. Collection method: clinical testing. Allele origin: germline. Affected: yes.
Comment: Not observed at significant frequency in large population cohorts (gnomAD); In silico analysis supports that this missense variant has a deleterious effect on protein structure/function; In silico analysis supports a deleterious effect on splicing; Has not been previously published as pathogenic or benign to our knowledge

NM_017780.4(CHD7):c.6935A>C (p.Lys2312Thr)

Gene: CHD7 (chromodomain helicase DNA binding protein 7; plus strand). Cytogenetic location: 8q12.2.
Variant type: single nucleotide variant.
Coding change: c.6935A>C on transcript NM_017780.4 (MANE Select); coding-DNA position 6935, A replaced by C.
Protein change: p.Lys2312Thr; replaces lysine 2312 with threonine.
Molecular consequence: missense variant. On other transcripts: intron variant (1).
Genome position (GRCh38, 1-based): chr8:60,854,522, A>C. VCF-style: chr8-60854522-A-C. GRCh37 (hg19) VCF-style: chr8-61767081-A-C.
Other names: c.1717-7707A>C (NM_001316690.1); short protein forms K2312T.
Identifiers: ClinVar variation 4075663 (VCV004075663.1).